The following is an entry in ClinVar:

NM_000020.3(ACVRL1):c.1411T>C (p.Cys471Arg)

Gene: ACVRL1 (activin A receptor like type 1; plus strand). Cytogenetic location: 12q13.13.
Variant type: single nucleotide variant.
Coding change: c.1411T>C on transcript NM_000020.3 (MANE Select); coding-DNA position 1411, T replaced by C.
Protein change: p.Cys471Arg; replaces cysteine 471 with arginine.
Molecular consequence: missense variant.
Genome position (GRCh38, 1-based): chr12:51,920,792, T>C. VCF-style: chr12-51920792-T-C. GRCh37 (hg19) VCF-style: chr12-52314576-T-C.
Other names: c.1411T>C, p.Cys471Arg (NM_001077401.2, NM_001406487.1); c.1255T>C, p.Cys419Arg (NM_001406490.1); c.1099T>C, p.Cys367Arg (NM_001406491.1, NM_001406492.1); c.901T>C, p.Cys301Arg (NM_001406494.1); c.847T>C, p.Cys283Arg (NM_001406495.1); short protein forms C367R, C471R, C283R, C301R, C419R.
Identifiers: ClinVar variation 2811227 (VCV002811227.3), dbSNP rs1940955180, ClinGen allele CA384905481.

ClinVar aggregate classification (germline): Pathogenic (1 of 4 stars; one submission).

Conditions:
Telangiectasia, hereditary hemorrhagic, type 2 (HHT2). Also called: Telangiectasia, hereditary hemorrhagic, type II; ACVRL1-Related Hereditary Hemorrhagic Telangiectasia. Identifiers: Orphanet 774, MedGen C1838163, MONDO:0010880, OMIM 600376. Disease mechanism: loss of function.

Submission:

Labcorp Genetics (formerly Invitae), Labcorp
Classification: Pathogenic for Telangiectasia, hereditary hemorrhagic, type 2. Last evaluated: 2024-05-12. Review status: criteria provided, single submitter. Criteria: Invitae Variant Classification Sherloc (09022015). Collection method: clinical testing. Allele origin: germline.
Comment: This sequence change replaces cysteine, which is neutral and slightly polar, with arginine, which is basic and polar, at codon 471 of the ACVRL1 protein (p.Cys471Arg). This variant is not present in population databases (gnomAD no frequency). This missense change has been observed in individuals with clinical features of hereditary hemorrhagic telangiectasia (Invitae). Advanced modeling of protein sequence and biophysical properties (such as structural, functional, and spatial information, amino acid conservation, physicochemical variation, residue mobility, and thermodynamic stability) performed at Invitae indicates that this missense variant is expected to disrupt ACVRL1 protein function with a positive predictive value of 95%. This variant disrupts the p.Cys471 amino acid residue in ACVRL1. Other variant(s) that disrupt this residue have been observed in individuals with ACVRL1-related conditions (Invitae), which suggests that this may be a clinically significant amino acid residue. For these reasons, this variant has been classified as Pathogenic.